The following is an entry in ClinVar:

ClinVar aggregate classification (germline): Conflicting classifications of pathogenicity. Review status: criteria provided, conflicting classifications (1 of 4 stars). 4 submissions from 4 submitters: Likely pathogenic (2); Uncertain significance (1). 1 of the submissions does not count toward it. Last evaluated 2023-08-04.

Conditions:
ABCA4-related disorder. Also called: ABCA4-related disorders; ABCA4-related condition. Identifiers: MedGen CN239167.
Retinal dystrophy. Also called: Inherited retinal dystrophy. Identifiers: Orphanet 71862, MedGen C0854723, MeSH D058499, MONDO:0019118, HP:0000556.

Allele frequency attached by ClinVar (database versions not stated): TOPMed below 0.00001.
gnomAD v4.1: 1 of 1,614,202 alleles (0.000062%); highest among the groups gnomAD compares: Non-Finnish European, 0.000085%; no homozygotes.

Submissions (4):

Labcorp Genetics (formerly Invitae), Labcorp
Classification: Uncertain significance. Last evaluated: 2023-08-04. Review status: criteria provided, single submitter. Criteria: Invitae Variant Classification Sherloc (09022015). Collection method: clinical testing. Allele origin: germline.
Comment: In summary, the available evidence is currently insufficient to determine the role of this variant in disease. Therefore, it has been classified as a Variant of Uncertain Significance. Algorithms developed to predict the effect of sequence changes on RNA splicing suggest that this variant may create or strengthen a splice site. Advanced modeling of protein sequence and biophysical properties (such as structural, functional, and spatial information, amino acid conservation, physicochemical variation, residue mobility, and thermodynamic stability) has been performed at Invitae for this missense variant, however the output from this modeling did not meet the statistical confidence thresholds required to predict the impact of this variant on ABCA4 protein function. This sequence change replaces asparagine, which is neutral and polar, with aspartic acid, which is acidic and polar, at codon 1235 of the ABCA4 protein (p.Asn1235Asp). This variant is not present in population databases (gnomAD no frequency). This missense change has been observed in individual(s) with ABCA4-related conditions (PMID: 29925512, 32531858). ClinVar contains an entry for this variant (Variation ID: 99236).

Blueprint Genetics
Classification: Likely pathogenic for ABCA4-related disorders. Last evaluated: 2019-05-27. Review status: criteria provided, single submitter. Criteria: ACMG Guidelines, 2015. Collection method: clinical testing. Allele origin: germline. Affected: yes. Observed: 3 variant alleles.

Institute of Human Genetics, Univ. Regensburg, Univ. Regensburg
Classification: Likely pathogenic for Retinal dystrophy. Last evaluated: 2018-01-01. Review status: criteria provided, single submitter. Criteria: ACMG Guidelines, 2015. Collection method: clinical testing. Allele origin: germline. Affected: yes.

Retina International
No classification provided. Review status: no classification provided. Collection method: not provided. Allele origin: not provided. Not counted in ClinVar's aggregate classification.

Literature cited by the submitters: PubMed 29925512 (cited by Labcorp Genetics (formerly Invitae), Labcorp and Institute of Human Genetics, Univ. Regensburg, Univ. Regensburg); PubMed 32531858 (cited by Labcorp Genetics (formerly Invitae), Labcorp and Institute of Human Genetics, Univ. Regensburg, Univ. Regensburg); PubMed 14517951 (cited by Institute of Human Genetics, Univ. Regensburg, Univ. Regensburg); PubMed 36460718 (cited by Institute of Human Genetics, Univ. Regensburg, Univ. Regensburg).

NM_000350.3(ABCA4):c.3703A>G (p.Asn1235Asp)

Genes: ABCA4 (ATP binding cassette subfamily A member 4; minus strand), LOC126805794 (BRD4-independent group 4 enhancer GRCh37_chr1:94502188-94503387; plus strand). Cytogenetic location: 1p22.1.
Variant type: single nucleotide variant.
Coding change: c.3703A>G on transcript NM_000350.3 (MANE Select); coding-DNA position 3703, A replaced by G.
Protein change: p.Asn1235Asp; replaces asparagine 1235 with aspartic acid.
Molecular consequence: missense variant.
Genome position (GRCh38, 1-based): chr1:94,037,255, T>C on the plus strand (A>G on the coding strand, the complement: ABCA4 is on the minus strand). VCF-style: chr1-94037255-T-C. GRCh37 (hg19) VCF-style: chr1-94502811-T-C.
Other names: c.3481A>G, p.Asn1161Asp (NM_001425324.1); short protein forms N1235D, N1161D.
Identifiers: ClinVar variation 99236 (VCV000099236.5), dbSNP rs61752422, ClinGen allele CA227130.
Genomic context (GRCh38, chr1:94,037,255, plus strand): 5'-CCAGCGTCTCCTCCAGCTCTCTGAAAAGGCTGGCATATGCTCTGTGCTTGAAGTTCTTAT[T>C]TGGAAGAAGGAAGATAAGTTCTTGACCAATGCACTCCACCAGCTTTGCCTCTGGAACATG-3'
Protein context (NP_000341.2, residues 1225-1245): IGQELIFLLP[Asn1235Asp]KNFKHRAYAS